The following is an entry in ClinVar:

ClinVar aggregate classification (germline): Pathogenic (1 of 4 stars; one submission).

Conditions:
Glycogen storage disease, type IV (GSD4). Also called: AMYLOPECTINOSIS; ANDERSEN DISEASE; BRANCHER DEFICIENCY; CIRRHOSIS, FAMILIAL, WITH DEPOSITION OF ABNORMAL GLYCOGEN; GBE1 DEFICIENCY; GLYCOGEN BRANCHING ENZYME DEFICIENCY. Identifiers: Orphanet 367, MedGen C0017923, MONDO:0009292, OMIM 232500.

Submission:

Myriad Genetics, Inc.
Classification: Pathogenic for Glycogen storage disease, type IV. Last evaluated: 2024-05-14. Review status: criteria provided, single submitter. Criteria: Myriad Autosomal Dominant, Autosomal Recessive and X-Linked Classification Criteria (2023). Collection method: clinical testing. Allele origin: unknown.
Comment: NM_000158.3(GBE1):c.1676_1677ins13(Y560Tfs*16) is expected to be pathogenic in the context of glycogen storage disease, GBE1-related. This variant is predicted to lead to an abnormal or absent protein product due to the creation of a premature termination codon in GBE1, a gene where loss-of-function variants are known to be pathogenic. Please note: this variant was assessed in the context of healthy population screening.

NM_000158.4(GBE1):c.1676_1677insCACTCAGCAGCAC (p.Tyr560fs)

Gene: GBE1 (1,4-alpha-glucan branching enzyme 1; minus strand). Cytogenetic location: 3p12.2.
Variant type: Insertion.
Coding change: c.1676_1677insCACTCAGCAGCAC on transcript NM_000158.4 (MANE Select); coding-DNA positions 1676 to 1677, CACTCAGCAGCAC inserted.
Protein change: p.Tyr560fs; shifts the reading frame from tyrosine 560.
Molecular consequence: frameshift variant.
Genome position: GRCh38 VCF-style: chr3-81537037-A-AGTGCTGCTGAGTG. GRCh37 (hg19) VCF-style: chr3-81586188-A-AGTGCTGCTGAGTG.
Other names: short protein forms Y560fs.
Identifiers: ClinVar variation 5016432 (VCV005016432.1).